The following is an entry in ClinVar:

NM_033031.3(CCNB3):c.3235G>A (p.Val1079Met)

Gene: CCNB3 (cyclin B3; plus strand). Cytogenetic location: Xp11.22.
Variant type: single nucleotide variant.
Coding change: c.3235G>A on transcript NM_033031.3 (MANE Select); coding-DNA position 3235, G replaced by A.
Protein change: p.Val1079Met; replaces valine 1079 with methionine.
Molecular consequence: missense variant. On other transcripts: intron variant (1).
Genome position (GRCh38, 1-based): chrX:50,311,404, G>A. VCF-style: chrX-50311404-G-A. GRCh37 (hg19) VCF-style: chrX-50054404-G-A.
Other names: c.3235G>A (NM_033031.2); c.204+22517G>A (NM_033670.4); short protein forms V1079M.
Identifiers: ClinVar variation 2660547 (VCV002660547.25), dbSNP rs781908510, ClinGen allele CA10414780.

ClinVar aggregate classification (germline): Conflicting classifications of pathogenicity. Review status: criteria provided, conflicting classifications (1 of 4 stars). 2 submissions from 2 submitters: Uncertain significance (1); Likely benign (1). Last evaluated 2024-09-08.

Allele frequency attached by ClinVar (database versions not stated): ExAC 0.00002; gnomAD 0.00003; 1000 Genomes Project 30x 0.00021; 1000 Genomes Project 0.00026.
gnomAD v4.1: 10 of 1,208,395 alleles (0.00083%); highest among the groups gnomAD compares: South Asian, 0.0053%; no homozygotes.

Submissions (2):

Ambry Genetics
Classification: Uncertain significance. Last evaluated: 2024-09-08. Review status: criteria provided, single submitter. Criteria: Ambry Variant Classification Scheme 2023. Collection method: clinical testing. Allele origin: germline.

CeGaT Center for Human Genetics Tuebingen
Classification: Likely benign. Last evaluated: 2022-06-01. Review status: criteria provided, single submitter. Criteria: CeGaT Center For Human Genetics Tuebingen Variant Classification Criteria Version 2. Collection method: clinical testing. Allele origin: germline. Affected: yes. Observed: 1 variant allele.
Comment: CCNB3: BP4, BS2